The following is an entry in ClinVar:

NM_000518.4(HBB):c.19G>A (p.Glu7Lys)

Genes: HBB (hemoglobin subunit beta; minus strand), LOC106099062 (HBB recombination region; plus strand), LOC107133510 (origin of replication at HBB; plus strand). Cytogenetic location: 11p15.4.
Variant type: single nucleotide variant.
Coding change: c.19G>A on transcript NM_000518.4; coding-DNA position 19, G replaced by A.
Protein change: p.Glu7Lys; replaces glutamic acid 7 with lysine.
Molecular consequence: missense variant (on NM_000518.5).
Genome position (GRCh38, 1-based): chr11:5,227,003, C>T on the plus strand (G>A on the coding strand, the complement: HBB is on the minus strand). VCF-style: chr11-5227003-C-T. GRCh37 (hg19) VCF-style: chr11-5248233-C-T.
Other names: E6K; HbC; c.19G>A, p.Glu7Lys (NM_000518.5); short protein forms E7K.
Identifiers: ClinVar variation 15126 (VCV000015126.163), dbSNP rs33930165, ClinGen allele CA124780.

ClinVar aggregate classification (germline): Pathogenic/Likely pathogenic. Review status: criteria provided, multiple submitters, no conflicts (2 of 4 stars). 41 submissions from 37 submitters: Pathogenic (34); Likely pathogenic (2). 5 of the submissions do not count toward it. Last evaluated 2026-09-01.

Conditions:
HBB-related hemoglobinopathies.
Inherited hemoglobinopathy. Identifiers: Orphanet 68364, MedGen CN294187, MONDO:0019050.
Hereditary persistence of fetal hemoglobin. Identifiers: MedGen C0019025, MONDO:0020989, OMIM 141749.
METHEMOGLOBINEMIA, BETA TYPE. Also called: Methemoglobinemia, beta-globin type. Identifiers: MedGen C1840779, OMIM 617971.
Malaria, susceptibility to. Identifiers: Orphanet 673, MedGen C1970028, MONDO:0021024, OMIM 611162.
Dominant beta-thalassemia. Also called: Beta-thalassemia, dominant inclusion body type. Identifiers: Orphanet 231226, Orphanet 848, MedGen C1858990, MONDO:0011381, OMIM 603902.
Beta-thalassemia HBB/LCRB. Identifiers: MedGen CN322236, MONDO:0013517, OMIM 613985.
Erythrocytosis, familial, 6. Also called: ERYTHROCYTOSIS, BETA-GLOBIN TYPE; POLYCYTHEMIA, BETA-GLOBIN TYPE. Identifiers: MedGen C4693822, MONDO:0054801, OMIM 617980.
Hb SS disease (SCD). Also called: Hemoglobin SS; Sickle cell anemia; Sickle cell disease; HbS disease; Hemoglobin S Disease; Sickling disorder due to hemoglobin S. Identifiers: Orphanet 232, Orphanet 275752, MedGen C0002895, MONDO:0011382, OMIM 603903.
Heinz body anemia. Also called: Heinz body hemolytic anemia. Identifiers: Orphanet 178330, MedGen C0700299, MONDO:0007705, OMIM 140700, HP:0005511.
alpha Thalassemia. Also called: Alpha thalassemia spectrum. Identifiers: Orphanet 846, MedGen C0002312, MONDO:0011399, OMIM 604131.
beta Thalassemia (BTHAL). Also called: Cooley's anemia; Erythroblastic anemia; Mediterranean anemia. Identifiers: Orphanet 848, MedGen C0005283, MONDO:0019402. Disease mechanism: loss of function.
Fetal hemoglobin quantitative trait locus 1 (HBFQTL1). Identifiers: Orphanet 251380, MedGen C1841621.
HBB-related disorder. Also called: HBB-related disorders; HBB-related condition. Identifiers: MedGen CN239378.
Inborn genetic diseases. Identifiers: MedGen C0950123, MeSH D030342.
Sickle cell-hemoglobin C disease. Also called: Sickle cell-hemoglobin C disease syndrome; Hemoglobin SC disease; Hemoglobin S/C. Identifiers: Orphanet 251365, MedGen C0019034, MeSH D006450, MONDO:0016669.
HEMOGLOBIN C.
Malaria, resistance to. Identifiers: MedGen C2720293.

Allele frequency attached by ClinVar (database versions not stated): ExAC 0.00123; gnomAD 0.00414 and 0.00380; TOPMed 0.00536; 1000 Genomes Project 0.00339; gnomAD exomes 0.00092; 1000 Genomes Project 30x 0.00406.

Submissions 1 to 9 of 41:

CeGaT Center for Human Genetics Tuebingen
Classification: Pathogenic. Last evaluated: 2026-09-01. Review status: criteria provided, single submitter. Criteria: CeGaT Center For Human Genetics Tuebingen Variant Classification Criteria Version 2. Collection method: clinical testing. Allele origin: germline. Affected: yes. Observed: 7 variant alleles.
Comment: HBB: PM3:Very Strong, PM5, PS3:Moderate, PM2:Supporting, BP4

PreventionGenetics, part of Exact Sciences
Classification: Pathogenic for HBB-related condition. Last evaluated: 2026-08-03. Review status: criteria provided, single submitter. Criteria: ACMG Guidelines, 2015. Collection method: clinical testing. Allele origin: germline.
Comment: The HBB c.19G>A variant is predicted to result in the amino acid substitution p.Glu7Lys. This variant (reported as Glu6Lys) has been identified in the homozygous and compound heterozygous states in individuals with hemoglobin C disease, and is considered one of the most common hemoglobin abnormalities in the United States (Cook et al. 2013. PubMed ID: 23297836). In silico analysis showed that this variant possibly disrupts contact with other molecules as well as interfere with interaction with other regions of the protein (Alanazi et al. 2011. PubMed ID: 22028795). This variant has been observed in >1% of individuals of African ancestry, including 1 homozygote, in a large population database. Based on these observations, we interpret this variant as pathogenic.

Labcorp Genetics (formerly Invitae), Labcorp
Classification: Pathogenic. Last evaluated: 2026-02-04. Review status: criteria provided, single submitter. Criteria: Invitae Variant Classification Sherloc (09022015). Collection method: clinical testing. Allele origin: germline.
Comment: This sequence change replaces glutamic acid, which is acidic and polar, with lysine, which is basic and polar, at codon 7 of the HBB protein (p.Glu7Lys). This variant is present in population databases (rs33930165, gnomAD 1.3%), and has an allele count higher than expected for a pathogenic variant. This missense change has been observed in individuals with beta-hemoglobinopathies (PMID: 20301551, 23297836, 26372199, 27117572). This variant is also known as p.Glu6Lys and HbC. ClinVar contains an entry for this variant (Variation ID: 15126). Invitae Evidence Modeling of protein sequence and biophysical properties (such as structural, functional, and spatial information, amino acid conservation, physicochemical variation, residue mobility, and thermodynamic stability) has been performed for this missense variant. However, the output from this modeling did not meet the statistical confidence thresholds required to predict the impact of this variant on HBB protein function. Experimental studies have shown that this missense change affects HBB function (PMID: 2888754). For these reasons, this variant has been classified as Pathogenic.

Natera, Inc.
Classification: Pathogenic for Beta thalassemia. Last evaluated: 2025-12-10. Review status: criteria provided, single submitter. Criteria: Natera Variant Classification Schema (03/2026). Collection method: clinical testing. Allele origin: germline.
Comment: The c.19G>A variant in HBB is a missense variant predicted to cause substitution of glutamic acid to lysine at amino acid 7. The frequency of this variant in the general population is greater than expected for disorder. This variant has been observed in one or more individuals affected with the associated recessive disease, as either homozygous or compound heterozygous with a second variant (PMID: 23297836, 30604644, 27427187, 26016899, 23651435). A different variant at the same position has been determined to be Pathogenic or Likely Pathogenic. Given the available evidence, this variant is classified as Pathogenic.

Rady Children's Institute for Genomic Medicine, Rady Children's Hospital San Diego
Classification: Pathogenic for HBB-related hemoglobinopathies. Last evaluated: 2025-08-30. Review status: criteria provided, single submitter. Criteria: ACMG Guidelines, 2015. Collection method: clinical testing. Allele origin: germline. Affected: yes.
Comment: This variant is also referred to as p.Glu6Lys or hemoglobin C allele (HbC) in the literature. Missense variation is an established mechanism of disease for HBB-related disorders (PMID: 20301599, 20301551). This is a known Pathogenic variant that is associated with relatively mild disease when present in homozygosity (PMID: 23591685) but can cause moderate to severe disease when in compound heterozygosity with another beta-thalassemia variant, particularly HbS (PMID: 23297836, 23591685, 20301551, 26372199, 23297836, 27117572). The c.19G>A (p.Glu7Lys) variant affects a weakly conserved amino acid and in silico tools used to predict the effect of this variant on protein function yield discordant results. Functional studies demonstrated that this variant impacts the kinetic properties of the hemoglobin protein by reducing hydrophobicity (PMID: 2888754). The c.19G>A (p.Glu7Lys) variant is present in the latest version of the gnomAD population database at an allele frequency of 0.07% (1186/1611030), including 7 homozygous individuals. Based on the available evidence, c.19G>A (p.Glu7Lys) is classified as Pathogenic.

Revvity Omics, Revvity
Classification: Pathogenic. Last evaluated: 2025-08-06. Review status: criteria provided, single submitter. Criteria: ACMG Guidelines, 2015. Collection method: clinical testing. Allele origin: germline.

ARUP Laboratories, Molecular Genetics and Genomics, ARUP Laboratories
Classification: Pathogenic. Last evaluated: 2025-07-31. Review status: criteria provided, single submitter. Criteria: ARUP Molecular Germline Variant Investigation Process 2024. Collection method: clinical testing. Allele origin: germline.
Comment: The Hb C variant (HBB: c.19G>A; p.Glu7Lys, also known as Glu6Lys when numbered from the mature protein, rs33930165, HbVar ID: 227) is a common pathogenic beta globin variant. Heterozygosity is consistent with Hb C trait. Homozygosity is consistent with a clinical presentation of mild to moderate hemolytic anemia with mild microcytosis and frequent target cells. Hb C in combination with a beta thalassemia variant on the opposite chromosome is often associated with mild microcytic anemia (Cook 2013, HbVar database). REFERENCES Link to HbVar database: Cook C et al. The clinical and laboratory spectrum of Hb C (beta6(A3)Glu>Lys, GAG>AAG) disease. Hemoglobin. 2013; 37(1):16-25. PMID: 23297836.

Variantyx, Inc.
Classification: Pathogenic for Beta-thalassemia HBB/LCRB. Last evaluated: 2025-03-24. Review status: criteria provided, single submitter. Criteria: Variantyx Assertion Criteria 2022. Collection method: clinical testing. Allele origin: germline.
Comment: This is a nonsynonymous variant in the HBB gene (OMIM: 141900). Pathogenic variants in this gene have been associated with autosomal recessive beta-hemoglobinopathies. This variant (also known as p.Glu6Lys or hemoglobin C), has been reported in the homozygous or compound heterozygous state in many unrelated affected individuals (PMID: 26372199, 27117572, 30604644, 23297836) (PM3_Very_Strong). Patients with HbC disease may have chronic hemolytic anemia (PMID: 32644469). Functional studies have shown that this variant alters HBB protein function (PMID: 2888754, 15973412) (PS3_Moderate). This variant lies within a known hotspot for pathogenic variants or a well-established critical functional domain of the HBB protein (PM1). Computational algorithms produce conflicting evidence regarding the predicted functional impact of this variant (REVEL score: 0.45). This variant has a 1.452% maximum allele frequency in non-founder control populations. Based on the current evidence, this variant is classified as pathogenic for autosomal recessive beta-hemoglobinopathies. Individuals with HbC trait are phenotypically normal and generally do not show any clinical symptoms (PMID: 32644469).

Center for Genomic Medicine, Rigshospitalet, Copenhagen University Hospital
Classification: Pathogenic. Last evaluated: 2025-03-04. Review status: criteria provided, single submitter. Criteria: ACMG Guidelines, 2015. Collection method: clinical testing. Allele origin: germline.